The following is an entry in ClinVar:

NM_001863.5(COX6B1):c.18G>C (p.Glu6Asp)

Gene: COX6B1 (cytochrome c oxidase subunit 6B1; plus strand). Cytogenetic location: 19q13.12.
Variant type: single nucleotide variant.
Coding change: c.18G>C on transcript NM_001863.5 (MANE Select); coding-DNA position 18, G replaced by C.
Protein change: p.Glu6Asp; replaces glutamic acid 6 with aspartic acid.
Molecular consequence: missense variant.
Genome position (GRCh38, 1-based): chr19:35,651,261, G>C. VCF-style: chr19-35651261-G-C. GRCh37 (hg19) VCF-style: chr19-36142163-G-C.
Other names: c.18G>C (NM_001863.4); short protein forms E6D.
Identifiers: ClinVar variation 1946817 (VCV001946817.7), dbSNP rs555965567, ClinGen allele CA405359022.
Genomic context (GRCh38, chr19:35,651,261, plus strand): 5'-CCCCTGCTGACACCCACTCCTTTCGCCTCCAGGATTCAGCACCATGGCGGAAGACATGGA[G>C]ACCAAAATCAAGAACTACAAGACCGCCCCTTTTGACAGCCGCTTCCCCAACCAGAACCAG-3'
Protein context (NP_001854.1, residues 1-16): MAEDM[Glu6Asp]TKIKNYKTAP

ClinVar aggregate classification (germline): Uncertain significance. Review status: criteria provided, multiple submitters, no conflicts (2 of 4 stars). 3 submissions from 3 submitters: Uncertain significance (3). Last evaluated 2025-05-14.

Conditions:
Inborn genetic diseases. Identifiers: MedGen C0950123, MeSH D030342.
Mitochondrial complex IV deficiency, nuclear type 7. Also called: Mitochondrial complex 4 deficiency, nuclear type 7. Identifiers: MedGen C5436685, MONDO:0033637, OMIM 619051.

Allele frequency attached by ClinVar (database versions not stated): TOPMed below 0.00001.
gnomAD v4.1: 1 of 1,613,918 alleles (0.000062%); highest among the groups gnomAD compares: Admixed American, 0.0017%; no homozygotes.

Submissions (3):

Ambry Genetics
Classification: Uncertain significance for Inborn genetic diseases. Last evaluated: 2025-05-14. Review status: criteria provided, single submitter. Criteria: Ambry Variant Classification Scheme 2023. Collection method: clinical testing. Allele origin: germline.

Fulgent Genetics
Classification: Uncertain significance for Mitochondrial complex IV deficiency, nuclear type 7. Last evaluated: 2024-03-21. Review status: criteria provided, single submitter. Criteria: ACMG Guidelines, 2015. Collection method: clinical testing. Allele origin: germline.

Labcorp Genetics (formerly Invitae), Labcorp
Classification: Uncertain significance. Last evaluated: 2022-03-01. Review status: criteria provided, single submitter. Criteria: Invitae Variant Classification Sherloc (09022015). Collection method: clinical testing. Allele origin: germline.
Comment: This variant is not present in population databases (gnomAD no frequency). This sequence change replaces glutamic acid, which is acidic and polar, with aspartic acid, which is acidic and polar, at codon 6 of the COX6B1 protein (p.Glu6Asp). This variant has not been reported in the literature in individuals affected with COX6B1-related conditions. Algorithms developed to predict the effect of missense changes on protein structure and function (SIFT, PolyPhen-2, Align-GVGD) all suggest that this variant is likely to be tolerated. In summary, the available evidence is currently insufficient to determine the role of this variant in disease. Therefore, it has been classified as a Variant of Uncertain Significance.